The following is an entry in ClinVar:

ClinVar aggregate classification (germline): Likely pathogenic (1 of 4 stars; one submission).

Submission:

Labcorp Genetics (formerly Invitae), Labcorp
Classification: Likely pathogenic. Last evaluated: 2021-12-20. Review status: criteria provided, single submitter. Criteria: Invitae Variant Classification Sherloc (09022015). Collection method: clinical testing. Allele origin: germline.
Comment: In summary, the currently available evidence indicates that the variant is pathogenic, but additional data are needed to prove that conclusively. Therefore, this variant has been classified as Likely Pathogenic. Algorithms developed to predict the effect of sequence changes on RNA splicing suggest that this variant may disrupt the consensus splice site. This variant has not been reported in the literature in individuals affected with HSD3B7-related conditions. This variant is not present in population databases (gnomAD no frequency). This sequence change affects a donor splice site in intron 5 of the HSD3B7 gene. It is expected to disrupt RNA splicing. Variants that disrupt the donor or acceptor splice site typically lead to a loss of protein function (PMID: 16199547), and loss-of-function variants in HSD3B7 are known to be pathogenic (PMID: 12679481).

Literature cited by the submitters: PubMed 16199547; PubMed 12679481.

NM_025193.4(HSD3B7):c.531+1G>A

Gene: HSD3B7 (hydroxy-delta-5-steroid dehydrogenase, 3 beta- and steroid delta-isomerase 7; plus strand). Cytogenetic location: 16p11.2.
Variant type: single nucleotide variant.
Coding change: c.531+1G>A on transcript NM_025193.4 (MANE Select); the canonical splice donor site of the intron after coding-DNA position 531, G replaced by A.
Molecular consequence: splice donor variant.
Genome position (GRCh38, 1-based): chr16:30,986,705, G>A. VCF-style: chr16-30986705-G-A. GRCh37 (hg19) VCF-style: chr16-30998026-G-A.
Other names: c.531+1G>A (NM_001142777.2, NM_001142778.2).
Identifiers: ClinVar variation 1977130 (VCV001977130.5), dbSNP rs2543935124, ClinGen allele CA395640935.